The following is an entry in ClinVar:

NM_001165963.4(SCN1A):c.3224A>G (p.Tyr1075Cys)

Genes: SCN1A (sodium voltage-gated channel alpha subunit 1; minus strand), LOC102724058 (uncharacterized LOC102724058; plus strand). Cytogenetic location: 2q24.3.
Variant type: single nucleotide variant.
Coding change: c.3224A>G on transcript NM_001165963.4 (MANE Select); coding-DNA position 3224, A replaced by G.
Protein change: p.Tyr1075Cys; replaces tyrosine 1075 with cysteine.
Molecular consequence: missense variant. On other transcripts: non-coding transcript variant (2).
Genome position (GRCh38, 1-based): chr2:166,036,253, T>C on the plus strand (A>G on the coding strand, the complement: SCN1A is on the minus strand). VCF-style: chr2-166036253-T-C. GRCh37 (hg19) VCF-style: chr2-166892763-T-C.
Other names: c.3140A>G, p.Tyr1047Cys (NM_001165964.3, NM_001353957.2, NM_001353958.2); c.3224A>G, p.Tyr1075Cys (NM_001202435.3, NM_001353948.2); c.3191A>G, p.Tyr1064Cys (NM_001353949.2, NM_001353950.2, NM_001353951.2 and 2 more transcripts); c.3188A>G, p.Tyr1063Cys (NM_001353954.2, NM_001353955.2); c.3137A>G, p.Tyr1046Cys (NM_001353960.2); c.782A>G, p.Tyr261Cys (NM_001353961.2); short protein forms Y1064C, Y1075C, Y1047C, Y261C, Y1046C, Y1063C.
Identifiers: ClinVar variation 576781 (VCV000576781.36), dbSNP rs1226603266, ClinGen allele CA349059532.
Genomic context (GRCh38, chr2:166,036,253, plus strand): 5'-TATTTTTCAACACTGCTGCCAGTTCCTATACCACTTGTAGTTCCATTTACATCTTTAAGA[T>C]AGTCAAGATCTTTCCCAATTTCTGCTGTATGATTGGACATACAACTGTCTTTCTTGTTGT-3'
Protein context (NP_001159435.1, residues 1065-1085): HTAEIGKDLD[Tyr1075Cys]LKDVNGTTSG

ClinVar aggregate classification (germline): Conflicting classifications of pathogenicity. Review status: criteria provided, conflicting classifications (1 of 4 stars). 4 submissions from 4 submitters: Uncertain significance (2); Likely benign (2). Last evaluated 2026-08-25.

Conditions:
Early-infantile DEE. Also called: Ohtahara syndrome; Early infantile epileptic encephalopathy; Early infantile epileptic encephalopathy with suppression bursts. Identifiers: Orphanet 1934, MedGen C0393706, MONDO:0800491.
Inborn genetic diseases. Identifiers: MedGen C0950123, MeSH D030342.

Allele frequency attached by ClinVar (database versions not stated): TOPMed 0.00002; gnomAD exomes below 0.00001; gnomAD 0.00001.
gnomAD v4.1: 4 of 1,613,822 alleles (0.00025%); highest among the groups gnomAD compares: Admixed American, 0.005%; no homozygotes.

Submissions (4):

GeneDx
Classification: Uncertain significance. Last evaluated: 2026-08-25. Review status: criteria provided, single submitter. Criteria: GeneDx Variant Classification Process June 2021. Collection method: clinical testing. Allele origin: germline.
Comment: Not observed at significant frequency in large population cohorts (gnomAD); In silico analysis supports that this missense variant has a deleterious effect on protein structure/function; Has not been previously published as pathogenic or benign to our knowledge; This substitution is predicted to be in the cytoplasmic loop between the second and third homologous domains

Ambry Genetics
Classification: Uncertain significance for Inborn genetic diseases. Last evaluated: 2026-04-11. Review status: criteria provided, single submitter. Criteria: Ambry Variant Classification Scheme 2023. Collection method: clinical testing. Allele origin: germline.
Comment: The c.3224A>G (p.Y1075C) alteration is located in exon 16 (coding exon 16) of the SCN1A gene. This alteration results from a A to G substitution at nucleotide position 3224, causing the tyrosine (Y) at amino acid position 1075 to be replaced by a cysteine (C). Based on data from gnomAD, the G allele has an overall frequency of <0.001% (1/251108) total alleles studied. The highest observed frequency was 0.003% (1/34572) of Latino alleles. Based on insufficient or conflicting evidence, the clinical significance of this alteration remains unclear.

Labcorp Genetics (formerly Invitae), Labcorp
Classification: Likely benign for Early-infantile DEE. Last evaluated: 2024-02-02. Review status: criteria provided, single submitter. Criteria: Invitae Variant Classification Sherloc (09022015). Collection method: clinical testing. Allele origin: germline.

CeGaT Center for Human Genetics Tuebingen
Classification: Likely benign. Last evaluated: 2022-09-01. Review status: criteria provided, single submitter. Criteria: CeGaT Center For Human Genetics Tuebingen Variant Classification Criteria Version 2. Collection method: clinical testing. Allele origin: germline. Affected: yes. Observed: 1 variant allele.
Comment: SCN1A: PP2, BS2